The following is an entry in ClinVar:

ClinVar aggregate classification (germline): Uncertain significance (1 of 4 stars; one submission).

Conditions:
Pseudohypoaldosteronism type 2C (PHA2C). Also called: Pseudohypoaldosteronism Type IIC. Identifiers: Orphanet 757, Orphanet 88940, MedGen C1840391, MONDO:0013778, OMIM 614492.

gnomAD v4.1: 2 of 1,612,792 alleles (0.00012%); highest among the groups gnomAD compares: Non-Finnish European, 0.00017%; no homozygotes.

Submission:

Baylor Genetics
Classification: Uncertain significance for Pseudohypoaldosteronism type 2C. Last evaluated: 2019-12-10. Review status: criteria provided, single submitter. Criteria: ACMG Guidelines, 2015. Collection method: clinical testing. Allele origin: unknown. Affected: yes.
Comment: This variant was determined to be of uncertain significance according to ACMG Guidelines, 2015 [PMID:25741868].

NM_018979.4(WNK1):c.59C>T (p.Pro20Leu)

Gene: WNK1 (WNK lysine deficient protein kinase 1; plus strand). Cytogenetic location: 12p13.33.
Variant type: single nucleotide variant.
Coding change: c.59C>T on transcript NM_018979.4 (MANE Select); coding-DNA position 59, C replaced by T.
Protein change: p.Pro20Leu; replaces proline 20 with leucine.
Molecular consequence: missense variant.
Genome position (GRCh38, 1-based): chr12:753,624, C>T. VCF-style: chr12-753624-C-T. GRCh37 (hg19) VCF-style: chr12-862790-C-T.
Other names: c.59C>T, p.Pro20Leu (NM_001184985.2, NM_014823.3, NM_213655.5); short protein forms P20L.
Identifiers: ClinVar variation 1028133 (VCV001028133.1), dbSNP rs1939515873, ClinGen allele CA383303512.